The following is an entry in ClinVar:

NM_000135.4(FANCA):c.549G>C (p.Trp183Cys)

Gene: FANCA (FA complementation group A; minus strand). Cytogenetic location: 16q24.3.
Variant type: single nucleotide variant.
Coding change: c.549G>C on transcript NM_000135.4 (MANE Select); coding-DNA position 549, G replaced by C.
Protein change: p.Trp183Cys; replaces tryptophan 183 with cysteine.
Molecular consequence: missense variant.
Genome position (GRCh38, 1-based): chr16:89,808,341, C>G on the plus strand (G>C on the coding strand, the complement: FANCA is on the minus strand). VCF-style: chr16-89808341-C-G. GRCh37 (hg19) VCF-style: chr16-89874749-C-G.
Other names: c.549G>C, p.Trp183Cys (NM_001018112.3, NM_001286167.3); c.453G>C, p.Trp151Cys (NM_001351830.2); short protein forms W151C, W183C.
Identifiers: ClinVar variation 3664909 (VCV003664909.2).

ClinVar aggregate classification (germline): Uncertain significance (1 of 4 stars; one submission).

Conditions:
Fanconi anemia (FA). Also called: Fanconi's anemia. Identifiers: Orphanet 84, MedGen C0015625, MeSH D005199, MONDO:0019391.

gnomAD v4.1: 1 of 1,614,080 alleles (0.000062%); highest among the groups gnomAD compares: Non-Finnish European, 0.000085%; no homozygotes.

Submission:

Labcorp Genetics (formerly Invitae), Labcorp
Classification: Uncertain significance for Fanconi anemia. Last evaluated: 2024-07-03. Review status: criteria provided, single submitter. Criteria: Invitae Variant Classification Sherloc (09022015). Collection method: clinical testing. Allele origin: germline.
Comment: This sequence change replaces tryptophan, which is neutral and slightly polar, with cysteine, which is neutral and slightly polar, at codon 183 of the FANCA protein (p.Trp183Cys). This variant is not present in population databases (gnomAD no frequency). This variant has not been reported in the literature in individuals affected with FANCA-related conditions. Advanced modeling of protein sequence and biophysical properties (such as structural, functional, and spatial information, amino acid conservation, physicochemical variation, residue mobility, and thermodynamic stability) performed at Invitae indicates that this missense variant is expected to disrupt FANCA protein function with a positive predictive value of 80%. In summary, the available evidence is currently insufficient to determine the role of this variant in disease. Therefore, it has been classified as a Variant of Uncertain Significance.